The following is an entry in ClinVar:

NM_001318895.3(FHL2):c.391C>T (p.Arg131Cys)

Genes: FHL2 (four and a half LIM domains 2; minus strand), TSLIG2 (tRNA splicing ligase complex subunit 2; plus strand). Cytogenetic location: 2q12.2.
Variant type: single nucleotide variant.
Coding change: c.391C>T on transcript NM_001318895.3 (MANE Select); coding-DNA position 391, C replaced by T.
Protein change: p.Arg131Cys; replaces arginine 131 with cysteine.
Molecular consequence: missense variant.
Genome position (GRCh38, 1-based): chr2:105,367,680, G>A on the plus strand (C>T on the coding strand, the complement: FHL2 is on the minus strand). VCF-style: chr2-105367680-G-A. GRCh37 (hg19) VCF-style: chr2-105984137-G-A.
Other names: c.391C>T, p.Arg131Cys (NM_001039492.3, NM_001318894.1, NM_001318896.2 and 4 more transcripts); c.49C>T, p.Arg17Cys (NM_001318897.2, NM_001318898.2); c.67C>T, p.Arg23Cys (NM_001318899.2); short protein forms R131C, R17C, R23C.
Identifiers: ClinVar variation 48323 (VCV000048323.12), dbSNP rs397517959, ClinGen allele CA143175.

ClinVar aggregate classification (germline): Conflicting classifications of pathogenicity. Review status: criteria provided, conflicting classifications (1 of 4 stars). 4 submissions from 4 submitters: Likely pathogenic (1); Uncertain significance (2); VUS-high (1). Last evaluated 2025-12-12.

Conditions:
FHL2-related cardiomyopathy.
Primary dilated cardiomyopathy (DCM). Also called: Dilated Cardiomyopathy. Identifiers: Orphanet 217604, MedGen C0007193, MeSH D002311, MONDO:0005021, HP:0001644. Inheritance: Various modes of inheritance.

Submissions (4):

Center for Molecular Medicine, Children’s Hospital of Fudan University
Classification: VUS-high for Primary dilated cardiomyopathy. Last evaluated: 2025-12-12. Review status: criteria provided, single submitter. Criteria: ACMG Guidelines 2015. Collection method: clinical testing. Allele origin: de novo. Affected: yes.
Comment: PS2_Moderate+PS4_Supp+PM2_Supp

3billion
Classification: Likely pathogenic for FHL2-related cardiomyopathy. Last evaluated: 2024-11-27. Review status: criteria provided, single submitter. Criteria: ACMG Guidelines, 2015. Collection method: clinical testing. Allele origin: germline. Affected: yes.
Comment: The variant is not observed in the gnomAD v4.1.0 dataset. Predicted Consequence/Location: Missense variant Damaging effect on gene or gene product predicted by in silico programs is uncertain [REVEL: 0.59 (damaging >=0.6, benign <0.4)]. The same nucleotide change resulting in the same amino acid change has been previously reported to be associated with FHL2 related disorder (PMID: 27532257). The variant has been previously reported as de novo in a similarly affected individual (PMID: 36854411). Therefore, this variant is classified as Likely pathogenic according to the recommendation of ACMG/AMP guideline.

Labcorp Genetics (formerly Invitae), Labcorp
Classification: Uncertain significance for Primary dilated cardiomyopathy. Last evaluated: 2018-08-12. Review status: criteria provided, single submitter. Criteria: Invitae Variant Classification Sherloc (09022015). Collection method: clinical testing. Allele origin: germline.
Comment: Algorithms developed to predict the effect of missense changes on protein structure and function (SIFT, PolyPhen-2, Align-GVGD) all suggest that this variant is likely to be disruptive, but these predictions have not been confirmed by published functional studies and their clinical significance is uncertain. This sequence change replaces arginine with cysteine at codon 131 of the FHL2 protein (p.Arg131Cys). The arginine residue is highly conserved and there is a large physicochemical difference between arginine and cysteine. This variant is not present in population databases (ExAC no frequency). This variant has been observed in an individual affected with dilated cardiomyopathy (PMID: 27532257). ClinVar contains an entry for this variant (Variation ID: 48323). In summary, the available evidence is currently insufficient to determine the role of this variant in disease. Therefore, it has been classified as a Variant of Uncertain Significance.

Laboratory for Molecular Medicine, Mass General Brigham Personalized Medicine
Classification: Uncertain significance. Last evaluated: 2012-07-03. Review status: criteria provided, single submitter. Criteria: LMM Criteria. Collection method: clinical testing. Allele origin: germline. Observed: 1 variant allele.
Comment: The Arg131Cys variant in FHL2 has not been reported in the literature nor previo usly identified by our laboratory. In addition, it has not been identified in la rge and broad populations by the NHLBI Exome Sequencing Project. Computational analyses (biochemical amino acid properties, c onservation, AlignGVGD, PolyPhen2, and SIFT) suggest that this variant may impac t the protein, though this information is not predictive enough to determine pat hogenicity. In summary, this low frequency and computational predictions are con sistent with a disease-causing role, but insufficient to establish this with con fidence. Additional studies are needed to fully assess the clinical significance of the Arg131Cys variant.

Literature cited by the submitters: PubMed 27532257 (cited by 3billion and Labcorp Genetics (formerly Invitae), Labcorp); PubMed 36854411 (cited by 3billion).